The following is an entry in ClinVar:

ClinVar aggregate classification (germline): Pathogenic. Review status: reviewed by expert panel (3 of 4 stars). 10 submissions from 10 submitters: Pathogenic (1). 9 of the submissions do not count toward it. Last evaluated 2023-11-28.

Conditions:
Very long chain acyl-CoA dehydrogenase deficiency (ACADVLD). Also called: Very Long-Chain Acyl-Coenzyme A Dehydrogenase Deficiency; VLCAD Deficiency. Identifiers: Orphanet 26793, MedGen C3887523, MONDO:0008723, OMIM 201475.

Allele frequency attached by ClinVar (database versions not stated): gnomAD exomes 0.00001 and below 0.00001; TOPMed 0.00001; gnomAD 0.00002 and 0.00001.
gnomAD v4.1: 11 of 1,613,948 alleles (0.00068%); highest among the groups gnomAD compares: East Asian, 0.0022%; no homozygotes.

Submissions (10):

ClinGen ACADVL Variant Curation Expert Panel, ClinGen
Classification: Pathogenic for Very long chain acyl-CoA dehydrogenase deficiency. Last evaluated: 2023-11-28. Review status: reviewed by expert panel. Criteria: clingen acadvl acmg specifications v1. Collection method: curation. Allele origin: germline.
Comment: The c.685C>T (p.Arg229Ter) variant in ACADVL is a nonsense variant predicted to cause a premature stop codon in biologically-relevant-exon 8 leading to nonsense mediated decay in a gene in which loss-of-function is an established disease mechanism (PVS1; PMIDs 9973285, 11590124). The highest population minor allele frequency in gnomAD v2.1.1 is 0.00004 in African population, which is lower than the ClinGen ACADVL Variant Curation Expert Panel threshold (<0.001) for PM2_Supporting, meeting this criterion (PM2_Supporting). At least one patient with this variant displayed enzyme levels of ≤20% of normal, which is highly specific for very long-chain acyl-CoA dehydrogenase (VLCAD) deficiency (PP4_moderate, PMID: 17999356). This variant has been reported in additional individuals with VLCAD deficiency, however this information is insufficient to use toward classification (PMIDs: 31497477, 27246109, 9973285, 10384387). This variant has been observed with the variant [c.1813C>T, p.Arg613Trp] which is classified as likely pathogenic by the ClinGen ACADVL Variant Curation Expert Panel(ClinVar SCV) in an individual with VLCAD deficiency however the phase of these variants was not confirmed (PMID: 17999356, 0.25 PM3 points). In summary, this variant meets the criteria to be classified as pathogenic for autosomal recessive VLCAD deficiency based on the ACMG/AMP criteria applied, as specified by the ClinGen ACADVL Variant Curation Expert Panel: PVS1, PP4_moderate, PM2_supporting (ACADVL VCEP specifications version 1; approved November 9, 2021).

GeneDx
Classification: Pathogenic. Last evaluated: 2026-01-07. Review status: criteria provided, single submitter. Criteria: GeneDx Variant Classification Process June 2021. Collection method: clinical testing. Allele origin: germline. Affected: yes. Not counted in ClinVar's aggregate classification.
Comment: Nonsense variant predicted to result in protein truncation or nonsense mediated decay in a gene for which loss of function is a known mechanism of disease; Not observed at significant frequency in large population cohorts (gnomAD); Also known as p.(R189X); This variant is associated with the following publications: (PMID: 25525159, 27246109, 28755359, 17999356, 9973285, 31497477)

Labcorp Genetics (formerly Invitae), Labcorp
Classification: Pathogenic for Very long chain acyl-CoA dehydrogenase deficiency. Last evaluated: 2026-01-05. Review status: criteria provided, single submitter. Criteria: Invitae Variant Classification Sherloc (09022015). Collection method: clinical testing. Allele origin: germline. Not counted in ClinVar's aggregate classification.
Comment: This sequence change creates a premature translational stop signal (p.Arg229*) in the ACADVL gene. It is expected to result in an absent or disrupted protein product. Loss-of-function variants in ACADVL are known to be pathogenic (PMID: 9973285, 11590124). The frequency data for this variant in the population databases is considered unreliable, as metrics indicate poor data quality at this position in the gnomAD database. This premature translational stop signal has been observed in individual(s) with very long-chain acyl-CoA dehydrogenase deficiency (PMID: 10384387, 17999356, 27246109, 29552494). In at least one individual the data is consistent with being in trans (on the opposite chromosome) from a pathogenic variant. ClinVar contains an entry for this variant (Variation ID: 188884). For these reasons, this variant has been classified as Pathogenic.

Greenwood Genetic Center Diagnostic Laboratories, Greenwood Genetic Center
Classification: Pathogenic for Very long chain acyl-CoA dehydrogenase deficiency. Last evaluated: 2025-12-01. Review status: criteria provided, single submitter. Criteria: ACMG Guidelines, 2015. Collection method: clinical testing. Allele origin: germline. Affected: yes. Not counted in ClinVar's aggregate classification.
Comment: PVS1, PS3_Supporting, PM2

Natera, Inc.
Classification: Pathogenic for Very long chain acyl-CoA dehydrogenase deficiency. Last evaluated: 2024-08-07. Review status: criteria provided, single submitter. Criteria: Natera Variant Classification Schema (03/2026). Collection method: clinical testing. Allele origin: germline. Not counted in ClinVar's aggregate classification.
Comment: The c.685C>T variant in ACADVL is a nonsense variant predicted to introduce a stop codon at amino acid 229. This variant is expected to result in nonsense mediated decay, truncation, or a dysfunctional protein product. This variant is rare in the general population with a frequency below the threshold expected for the associated phenotype(s). This variant has been observed in one or more individuals affected with the associated recessive disease, as either homozygous or compound heterozygous with a second variant (PMID: 17999356, 33549744). Given the available evidence, this variant is classified as Pathogenic.

Baylor Genetics
Classification: Pathogenic for Very long chain acyl-CoA dehydrogenase deficiency. Last evaluated: 2024-02-08. Review status: criteria provided, single submitter. Criteria: ACMG Guidelines, 2015. Collection method: clinical testing. Allele origin: unknown. Not counted in ClinVar's aggregate classification.

Fulgent Genetics
Classification: Pathogenic for Very long chain acyl-CoA dehydrogenase deficiency. Last evaluated: 2024-02-01. Review status: criteria provided, single submitter. Criteria: ACMG Guidelines, 2015. Collection method: clinical testing. Allele origin: germline. Not counted in ClinVar's aggregate classification.

Revvity Omics, Revvity
Classification: Pathogenic for Very long chain acyl-CoA dehydrogenase deficiency. Last evaluated: 2022-10-26. Review status: criteria provided, single submitter. Criteria: ACMG Guidelines, 2015. Collection method: clinical testing. Allele origin: germline. Not counted in ClinVar's aggregate classification.

Wong Mito Lab, Molecular and Human Genetics, Baylor College of Medicine
Classification: Pathogenic for Very long chain acyl-CoA dehydrogenase deficiency. Last evaluated: 2019-11-01. Review status: criteria provided, single submitter. Criteria: ACMG Guidelines, 2015. Collection method: clinical testing. Allele origin: germline. Not counted in ClinVar's aggregate classification.
Comment: The NM_000018.3:c.685C>T (NP_000009.1:p.Arg229Ter) [GRCH38: NC_000017.11:g.7222014C>T] variant in ACADVL gene is interpretated to be Pathogenic based on ACMG guidelines (PMID: 25741868). This variant has been reported in PMID: 9973285 . This variant meets the following evidence codes reported in the ACMG guidelines: PVS1, PS3

Counsyl
Classification: Likely pathogenic for Very long chain acyl-CoA dehydrogenase deficiency. Last evaluated: 2014-07-16. Review status: no assertion criteria provided. Collection method: literature only. Allele origin: unknown. Inheritance: Autosomal recessive inheritance. Not counted in ClinVar's aggregate classification.

Literature cited by the submitters: PubMed 9973285 (cited by 3 submitters); PubMed 11590124 (cited by Labcorp Genetics (formerly Invitae), Labcorp); PubMed 10384387 (cited by Labcorp Genetics (formerly Invitae), Labcorp and Counsyl); PubMed 17999356 (cited by 3 submitters); PubMed 27246109 (cited by Labcorp Genetics (formerly Invitae), Labcorp); PubMed 29552494 (cited by Labcorp Genetics (formerly Invitae), Labcorp); PubMed 33549744 (cited by Natera, Inc.).

NM_000018.4(ACADVL):c.685C>T (p.Arg229Ter)

Gene: ACADVL (acyl-CoA dehydrogenase very long chain; plus strand). Cytogenetic location: 17p13.1.
Variant type: single nucleotide variant.
Coding change: c.685C>T on transcript NM_000018.4 (MANE Select); coding-DNA position 685, C replaced by T.
Protein change: p.Arg229Ter; replaces arginine 229 with a stop codon.
Molecular consequence: nonsense.
Genome position (GRCh38, 1-based): chr17:7,222,014, C>T. VCF-style: chr17-7222014-C-T. GRCh37 (hg19) VCF-style: chr17-7125333-C-T.
Other names: NM_000018.4(ACADVL):c.685C>T; p.Arg229Ter; c.619C>T, p.Arg207Ter (NM_001033859.3); c.754C>T, p.Arg252Ter (NM_001270447.2); c.457C>T, p.Arg153Ter (NM_001270448.2); short protein forms R229*, R207*, R252*, R153*.
Identifiers: ClinVar variation 188884 (VCV000188884.23), dbSNP rs786204536, ClinGen allele CA274078.